The following is an entry in ClinVar:

ClinVar aggregate classification (germline): Likely benign (0 of 4 stars; one submission).

Conditions:
SUPT16H-related disorder. Also called: SUPT16H-related condition.

Allele frequency attached by ClinVar (database versions not stated): ExAC 0.00001; gnomAD 0.00001; gnomAD exomes 0.00002; TOPMed 0.00002.
gnomAD v4.1: 14 of 1,612,996 alleles (0.00087%); highest among the groups gnomAD compares: Admixed American, 0.023%; no homozygotes.

Submission:

PreventionGenetics, part of Exact Sciences
Classification: Likely benign for SUPT16H-related condition. Last evaluated: 2019-04-30. Review status: no assertion criteria provided. Collection method: clinical testing. Allele origin: germline.
Comment: This variant is classified as likely benign based on ACMG/AMP sequence variant interpretation guidelines (Richards et al. 2015 PMID: 25741868, with internal and published modifications).

NM_007192.4(SUPT16H):c.933G>A (p.Glu311=)

Gene: SUPT16H (SPT16 homolog, facilitates chromatin remodeling subunit; minus strand). Cytogenetic location: 14q11.2.
Variant type: single nucleotide variant.
Coding change: c.933G>A on transcript NM_007192.4 (MANE Select); coding-DNA position 933, G replaced by A.
Protein change: p.Glu311=; no amino-acid change (glutamic acid 311 retained).
Molecular consequence: synonymous variant.
Genome position (GRCh38, 1-based): chr14:21,368,291, C>T on the plus strand (G>A on the coding strand, the complement: SUPT16H is on the minus strand). VCF-style: chr14-21368291-C-T. GRCh37 (hg19) VCF-style: chr14-21836450-C-T.
Identifiers: ClinVar variation 3055269 (VCV003055269.2), dbSNP rs760521991, ClinGen allele CA7090252.